The following is an entry in ClinVar:

NM_001961.4(EEF2):c.1531G>T (p.Ala511Ser)

Gene: EEF2 (eukaryotic translation elongation factor 2; minus strand). Cytogenetic location: 19p13.3.
Variant type: single nucleotide variant.
Coding change: c.1531G>T on transcript NM_001961.4 (MANE Select); coding-DNA position 1531, G replaced by T.
Protein change: p.Ala511Ser; replaces alanine 511 with serine.
Molecular consequence: missense variant.
Genome position (GRCh38, 1-based): chr19:3,979,882, C>A on the plus strand (G>T on the coding strand, the complement: EEF2 is on the minus strand). VCF-style: chr19-3979882-C-A. GRCh37 (hg19) VCF-style: chr19-3979880-C-A.
Other names: short protein forms A511S.
Identifiers: ClinVar variation 2637434 (VCV002637434.1), dbSNP rs1308649928, ClinGen allele CA403391958.

ClinVar aggregate classification (germline): Uncertain significance (1 of 4 stars; one submission).

Allele frequency attached by ClinVar (database versions not stated): gnomAD exomes 0.00001.
gnomAD v4.1: 9 of 1,613,844 alleles (0.00056%); highest among the groups gnomAD compares: Non-Finnish European, 0.00076%; no homozygotes.

Submission:

Women's Health and Genetics/Laboratory Corporation of America, LabCorp
Classification: Uncertain significance. Last evaluated: 2023-10-24. Review status: criteria provided, single submitter. Criteria: LabCorp Variant Classification Summary - May 2015. Collection method: clinical testing. Allele origin: germline.
Comment: Variant summary: EEF2 c.1531G>T (p.Ala511Ser) results in a conservative amino acid change located in Elongation Factor G, domain II (IPR041095) of the encoded protein sequence. Three of five in-silico tools predict a benign effect of the variant on protein function. The variant allele was found at a frequency of 1.2e-05 in 250690 control chromosomes. The available data on variant occurrences in the general population are insufficient to allow any conclusion about variant significance. To our knowledge, no occurrence of c.1531G>T in individuals affected with Spinocerebellar Ataxia Type 26 and no experimental evidence demonstrating its impact on protein function have been reported. No submitters have cited clinical-significance assessments for this variant to ClinVar after 2014. Based on the evidence outlined above, the variant was classified as uncertain significance.